The following is an entry in ClinVar:

ClinVar aggregate classification (germline): Pathogenic. Review status: criteria provided, multiple submitters, no conflicts (2 of 4 stars). 4 submissions from 4 submitters: Pathogenic (3). 1 of the submissions does not count toward it. Last evaluated 2026-02-09.

Conditions:
PKD1-related disorder. Also called: PKD1-related condition.
Polycystic kidney disease, adult type (PKD1). Also called: Polycystic Kidney Disease 1, Autosomal Dominant; Polycystic kidney disease 1; Polycystic kidney disease 1, severe; Polycystic Kidney, Autosomal Dominant; POLYCYSTIC KIDNEY DISEASE 1 WITH OR WITHOUT POLYCYSTIC LIVER DISEASE; POLYCYSTIC KIDNEY DISEASE, ADULT, TYPE I. Identifiers: MedGen C3149841, MONDO:0008263, OMIM 173900.
Inborn genetic diseases. Identifiers: MedGen C0950123, MeSH D030342.

Submissions (4):

Ambry Genetics
Classification: Pathogenic for Inborn genetic diseases. Last evaluated: 2026-02-09. Review status: criteria provided, single submitter. Criteria: Ambry Variant Classification Scheme 2023. Collection method: clinical testing. Allele origin: germline.
Comment: The c.3802C>T (p.Q1268*) alteration, located in exon 15 (coding exon 15) of the PKD1 gene, consists of a C to T substitution at nucleotide position 3802. This changes the amino acid from a glutamine (Q) to a stop codon at amino acid position 1268. This variant is expected to result in loss of function by premature protein truncation or nonsense-mediated mRNA decay. This variant was not reported in population-based cohorts in the Genome Aggregation Database (gnomAD). This variant was reported in individual(s) with features consistent with PKD1-related polycystic kidney disease (Lindemann, 2023; Nigro, 2023). Based on the available evidence, this alteration is classified as pathogenic.

MVZ Martinsried, Medicover Genetics
Classification: Pathogenic for Polycystic kidney disease, adult type. Last evaluated: 2024-09-12. Review status: criteria provided, single submitter. Criteria: ACGS Guidelines, 2020. Collection method: clinical testing. Allele origin: unknown. Affected: yes.

Blueprint Genetics
Classification: Pathogenic for PKD1-related disorders. Last evaluated: 2022-06-14. Review status: criteria provided, single submitter. Criteria: ACMG Guidelines, 2015. Collection method: clinical testing. Allele origin: germline. Affected: yes. Observed: 1 variant allele.

PreventionGenetics, part of Exact Sciences
Classification: Pathogenic for PKD1-related condition. Last evaluated: 2023-11-09. Review status: no assertion criteria provided. Collection method: clinical testing. Allele origin: germline. Not counted in ClinVar's aggregate classification.
Comment: The PKD1 c.3802C>T variant is predicted to result in premature protein termination (p.Gln1268*). This variant has been reported to be pathogenic for autosomal dominant polycystic kidney disease (ADPKD) (Nigro et al. 2023. PubMed ID: 37372416). This variant has not been reported in a large population database, indicating this variant is rare. Nonsense variants in PKD1 are expected to be pathogenic. This variant is interpreted as pathogenic.

Literature cited by the submitters: PubMed 36938073 (cited by Ambry Genetics); PubMed 37372416 (cited by Ambry Genetics).

NM_001009944.3(PKD1):c.3802C>T (p.Gln1268Ter)

Gene: PKD1 (polycystin 1, transient receptor potential channel interacting; minus strand). Cytogenetic location: 16p13.3.
Variant type: single nucleotide variant.
Coding change: c.3802C>T on transcript NM_001009944.3 (MANE Select); coding-DNA position 3802, C replaced by T.
Protein change: p.Gln1268Ter; replaces glutamine 1268 with a stop codon.
Molecular consequence: nonsense.
Genome position (GRCh38, 1-based): chr16:2,111,365, G>A on the plus strand (C>T on the coding strand, the complement: PKD1 is on the minus strand). VCF-style: chr16-2111365-G-A. GRCh37 (hg19) VCF-style: chr16-2161366-G-A.
Other names: c.3802C>T, p.Gln1268Ter (NM_000296.4); c.3802C>T (NM_000296.3); short protein forms Q1268*.
Identifiers: ClinVar variation 3035403 (VCV003035403.5), dbSNP rs2092500037, ClinGen allele CA394382193.